The following is an entry in ClinVar:

ClinVar aggregate classification (germline): Uncertain significance (3 of 4 stars; one submission).

Conditions:
Glanzmann thrombasthenia. Also called: BLEEDING DISORDER, PLATELET-TYPE, 2; THROMBASTHENIA OF GLANZMANN AND NAEGELI; Thrombasthenia; PLATELET GLYCOPROTEIN IIb-IIIa DEFICIENCY; Glanzmann's thrombasthenia. Identifiers: Orphanet 849, MedGen C0040015, MONDO:0100326.

Submission:

ClinGen Platelet Disorders Variant Curation Expert Panel, ClinGen
Classification: Uncertain significance for Glanzmann thrombasthenia. Last evaluated: 2025-11-06. Review status: reviewed by expert panel. Criteria: ClinGen Platelet ACMG Specifications v2-1. Collection method: curation. Allele origin: germline. Inheritance: Autosomal recessive inheritance.
Comment: The NM_000419.5:c.2933G>T (p.Gly978Val) variant in ITGA2B is a missense variant predicted to cause substitution of Glycine by Valine at amino acid 978 (p.Gly978Val). At least one patient (Patient GT-1 in PMIDs 22837472 and 30934104) with this variant displayed mucocutaneous bleeding and impaired aggregation with all agonists except ristocetin, which is highly specific for Glanzmann thrombasthenia (PP4_Moderate). Additionally, αIIbβ3 surface expression was reduced to 0%, as measured by flow cytometry. This individual was compound heterozygous for this variant and the NM_000419.5(ITGA2B):c.2994G>A (p.Trp998Ter) variant, which was classified as Pathogenic by the PD VCEP. The phase of the variants in this proband is unknown (PMID: 22837472, PM3_Supporting). This variant is absent from gnomAD v4.1 (PM2_Supporting). In summary, this variant meets the criteria to be classified as Uncertain significance - insufficient evidence for autosomal recessive Glanzmann Thrombasthenia based on the ACMG/AMP criteria applied, as specified by the ClinGen PD VCEP: PM2_Supporting (VCEP specifications version 2).

NM_000419.5(ITGA2B):c.2933G>T (p.Gly978Val)

Gene: ITGA2B (integrin subunit alpha 2b; minus strand). Cytogenetic location: 17q21.31.
Variant type: single nucleotide variant.
Coding change: c.2933G>T on transcript NM_000419.5 (MANE Select); coding-DNA position 2933, G replaced by T.
Protein change: p.Gly978Val; replaces glycine 978 with valine.
Molecular consequence: missense variant.
Genome position (GRCh38, 1-based): chr17:44,374,669, C>A on the plus strand (G>T on the coding strand, the complement: ITGA2B is on the minus strand). VCF-style: chr17-44374669-C-A. GRCh37 (hg19) VCF-style: chr17-42452037-C-A.
Other names: NM_000419.5:c.2933G>T; short protein forms G978V.
Identifiers: ClinVar variation 2498366 (VCV002498366.3), dbSNP rs2510072671, ClinGen allele CA399790478.
Genomic context (GRCh38, chr17:44,374,669, plus strand): 5'-GGACAATGGGTCCTGCAGGACTGGTCTCTGCTCCATCCCCCCACACTCACCTGAGCTTCC[C>A]CTCGGGGCAGGCTGAGCGGGGGCACCGCATAGGGGAGGGAGGACACGTTGAACCATGCGT-3'
Protein context (NP_000410.2, residues 968-988): YAVPPLSLPR[Gly978Val]EAQVWTQLLR